The following is an entry in ClinVar:

ClinVar aggregate classification (germline): Conflicting classifications of pathogenicity. Review status: criteria provided, conflicting classifications (1 of 4 stars). 6 submissions from 6 submitters: Likely pathogenic (2); Uncertain significance (3). 1 of the submissions does not count toward it. Last evaluated 2025-07-24.

Conditions:
Glycogen storage disease, type V (GSD5). Also called: McArdle type glycogen storage disease; PYGM DEFICIENCY; MCARDLE DISEASE; MUSCLE GLYCOGEN PHOSPHORYLASE DEFICIENCY; MYOPHOSPHORYLASE DEFICIENCY. Identifiers: Orphanet 368, MedGen C0017924, MONDO:0009293, OMIM 232600.

Allele frequency attached by ClinVar (database versions not stated): gnomAD exomes 0.00001.
gnomAD v4.1: 16 of 1,613,686 alleles (0.00099%); highest among the groups gnomAD compares: Non-Finnish European, 0.001%; no homozygotes.

Submissions (6):

Myriad Genetics, Inc.
Classification: Uncertain significance for Glycogen storage disease, type V. Last evaluated: 2025-07-24. Review status: criteria provided, single submitter. Criteria: Myriad Autosomal Dominant, Autosomal Recessive and X-Linked Classification Criteria (2023). Collection method: clinical testing. Allele origin: unknown.
Comment: NM_005609.2(PYGM):c.1996C>G(Q666E) is a missense variant classified as a variant of uncertain significance in the context of glycogen storage disease, PYGM-related. Q666E has been observed in a case with relevant disease (PMID: 17404776). Relevant functional assessments of this variant are not available in the literature. Q666E has not been observed in referenced population frequency databases. In summary, there is insufficient evidence to classify NM_005609.2(PYGM):c.1996C>G(Q666E) as pathogenic or benign. Please note: this variant was assessed in the context of healthy population screening.

Fulgent Genetics
Classification: Likely pathogenic for Glycogen storage disease, type V. Last evaluated: 2024-03-16. Review status: criteria provided, single submitter. Criteria: ACMG Guidelines, 2015. Collection method: clinical testing. Allele origin: germline.

Labcorp Genetics (formerly Invitae), Labcorp
Classification: Likely pathogenic for Glycogen storage disease, type V. Last evaluated: 2024-02-22. Review status: criteria provided, single submitter. Criteria: Invitae Variant Classification Sherloc (09022015). Collection method: clinical testing. Allele origin: germline.
Comment: This sequence change replaces glutamine, which is neutral and polar, with glutamic acid, which is acidic and polar, at codon 666 of the PYGM protein (p.Gln666Glu). This variant is not present in population databases (gnomAD no frequency). This missense change has been observed in individual(s) with glycogen storage disease (PMID: 9506549). This variant is also known as p.Gln665Glu. ClinVar contains an entry for this variant (Variation ID: 2303). Advanced modeling of protein sequence and biophysical properties (such as structural, functional, and spatial information, amino acid conservation, physicochemical variation, residue mobility, and thermodynamic stability) performed at Invitae indicates that this missense variant is expected to disrupt PYGM protein function with a positive predictive value of 95%. In summary, the currently available evidence indicates that the variant is pathogenic, but additional data are needed to prove that conclusively. Therefore, this variant has been classified as Likely Pathogenic.

GeneDx
Classification: Uncertain significance. Last evaluated: 2023-10-05. Review status: criteria provided, single submitter. Criteria: GeneDx Variant Classification Process June 2021. Collection method: clinical testing. Allele origin: germline. Affected: yes.
Comment: Not observed at significant frequency in large population cohorts (gnomAD); In silico analysis supports that this missense variant has a deleterious effect on protein structure/function; This variant is associated with the following publications: (PMID: 32075227, 17404776, 31980526, 9506549, 17915571, 27535533)

Revvity Omics, Revvity
Classification: Uncertain significance for Glycogen storage disease, type V. Last evaluated: 2019-06-05. Review status: criteria provided, single submitter. Criteria: ACMG Guidelines, 2015. Collection method: clinical testing. Allele origin: germline.

OMIM
Classification: Pathogenic for MCARDLE DISEASE. Last evaluated: 1998-03-01. Review status: no assertion criteria provided. Collection method: literature only. Allele origin: germline. Not counted in ClinVar's aggregate classification.

Literature cited by the submitters: PubMed 17404776 (cited by Myriad Genetics, Inc.); PubMed 9506549 (cited by Labcorp Genetics (formerly Invitae), Labcorp and OMIM).

NM_005609.4(PYGM):c.1996C>G (p.Gln666Glu)

Gene: PYGM (glycogen phosphorylase, muscle associated; minus strand). Cytogenetic location: 11q13.1.
Variant type: single nucleotide variant.
Coding change: c.1996C>G on transcript NM_005609.4 (MANE Select); coding-DNA position 1996, C replaced by G.
Protein change: p.Gln666Glu; replaces glutamine 666 with glutamic acid.
Molecular consequence: missense variant.
Genome position (GRCh38, 1-based): chr11:64,750,557, G>C on the plus strand (C>G on the coding strand, the complement: PYGM is on the minus strand). VCF-style: chr11-64750557-G-C. GRCh37 (hg19) VCF-style: chr11-64518029-G-C.
Other names: Q665E; c.1732C>G, p.Gln578Glu (NM_001164716.1); c.1996C>G (NM_005609.2); short protein forms Q666E, Q578E.
Identifiers: ClinVar variation 2303 (VCV000002303.11), dbSNP rs119103256, ClinGen allele CA252201.